The following is an entry in ClinVar:

ClinVar aggregate classification (germline): Likely pathogenic. Review status: criteria provided, multiple submitters, no conflicts (2 of 4 stars). 2 submissions from 2 submitters: Likely pathogenic (2). Last evaluated 2023-03-16.

Conditions:
RP1-related disorder. Also called: RP1-related condition.

Allele frequency attached by ClinVar (database versions not stated): gnomAD exomes below 0.00001; TOPMed below 0.00001; ExAC 0.00001; gnomAD 0.00001.
gnomAD v4.1: 3 of 1,613,844 alleles (0.00019%); highest among the groups gnomAD compares: Non-Finnish European, 0.00025%; no homozygotes.

Submissions (2):

Blueprint Genetics
Classification: Likely pathogenic for RP1-related disorders. Last evaluated: 2023-03-16. Review status: criteria provided, single submitter. Criteria: ACMG Guidelines, 2015. Collection method: clinical testing. Allele origin: germline. Affected: yes. Observed: 2 variant alleles.

Labcorp Genetics (formerly Invitae), Labcorp
Classification: Likely pathogenic. Last evaluated: 2021-11-08. Review status: criteria provided, single submitter. Criteria: Invitae Variant Classification Sherloc (09022015). Collection method: clinical testing. Allele origin: germline.
Comment: This sequence change affects a donor splice site in intron 2 of the RP1 gene. It is expected to disrupt RNA splicing. Variants that disrupt the donor or acceptor splice site typically lead to a loss of protein function (PMID: 16199547), and loss-of-function variants in RP1 are known to be pathogenic (PMID: 11960024, 19933189). This variant is present in population databases (rs776027191, gnomAD 0.0009%). This variant has not been reported in the literature in individuals affected with RP1-related conditions. Algorithms developed to predict the effect of sequence changes on RNA splicing suggest that this variant may disrupt the consensus splice site. In summary, the currently available evidence indicates that the variant is pathogenic, but additional data are needed to prove that conclusively. Therefore, this variant has been classified as Likely Pathogenic.

Literature cited by the submitters: PubMed 16199547 (cited by Labcorp Genetics (formerly Invitae), Labcorp); PubMed 11960024 (cited by Labcorp Genetics (formerly Invitae), Labcorp); PubMed 19933189 (cited by Labcorp Genetics (formerly Invitae), Labcorp).

NM_006269.2(RP1):c.615+2T>A

Gene: RP1 (RP1 axonemal microtubule associated; plus strand). Cytogenetic location: 8q12.1.
Variant type: single nucleotide variant.
Coding change: c.615+2T>A on transcript NM_006269.2 (MANE Select); the canonical splice donor site of the intron after coding-DNA position 615, T replaced by A.
Molecular consequence: splice donor variant.
Genome position (GRCh38, 1-based): chr8:54,621,583, T>A. VCF-style: chr8-54621583-T-A. GRCh37 (hg19) VCF-style: chr8-55534143-T-A.
Other names: c.615+2T>A (NM_001375654.1).
Identifiers: ClinVar variation 1481227 (VCV001481227.7), dbSNP rs776027191, ClinGen allele CA4751212.